The following is an entry in ClinVar:

ClinVar aggregate classification (germline): Uncertain significance. Review status: criteria provided, multiple submitters, no conflicts (2 of 4 stars). 4 submissions from 4 submitters: Uncertain significance (4). Last evaluated 2024-11-04.

Conditions:
Hereditary cancer-predisposing syndrome. Also called: Hereditary Cancer Syndrome; Hereditary neoplastic syndrome; Neoplastic Syndromes, Hereditary; Tumor predisposition. Identifiers: Orphanet 140162, MedGen C0027672, MeSH D009386, MONDO:0015356.
Bloom syndrome (BLM). Also called: Bloom-Torre-Machacek syndrome. Identifiers: Orphanet 125, MedGen C0005859, MONDO:0008876, OMIM 210900.

gnomAD v4.1: 4 of 1,614,046 alleles (0.00025%); highest among the groups gnomAD compares: Non-Finnish European, 0.00034%; no homozygotes.

Submissions (4):

Labcorp Genetics (formerly Invitae), Labcorp
Classification: Uncertain significance for Bloom syndrome. Last evaluated: 2024-11-04. Review status: criteria provided, single submitter. Criteria: Invitae Variant Classification Sherloc (09022015). Collection method: clinical testing. Allele origin: germline.
Comment: This sequence change replaces leucine, which is neutral and non-polar, with valine, which is neutral and non-polar, at codon 916 of the BLM protein (p.Leu916Val). This variant is not present in population databases (gnomAD no frequency). This variant has not been reported in the literature in individuals affected with BLM-related conditions. ClinVar contains an entry for this variant (Variation ID: 454117). Invitae Evidence Modeling of protein sequence and biophysical properties (such as structural, functional, and spatial information, amino acid conservation, physicochemical variation, residue mobility, and thermodynamic stability) indicates that this missense variant is not expected to disrupt BLM protein function with a negative predictive value of 80%. In summary, the available evidence is currently insufficient to determine the role of this variant in disease. Therefore, it has been classified as a Variant of Uncertain Significance.

Quest Diagnostics Nichols Institute San Juan Capistrano
Classification: Uncertain significance. Last evaluated: 2024-05-16. Review status: criteria provided, single submitter. Criteria: Quest Diagnostics criteria. Collection method: clinical testing. Allele origin: unknown.
Comment: The BLM c.2746C>G (p.Leu916Val) variant has not been reported in individuals with BLM-related conditions in the published literature. The frequency of this variant in the general population, 0.0000066 (1/152160 chromosomes (Genome Aggregation Database)), is uninformative in the assessment of its pathogenicity. Analysis of this variant using bioinformatics tools for the prediction of the effect of amino acid changes on protein structure and function yielded predictions that this variant is benign. Based on the available information, we are unable to determine the clinical significance of this variant.

Ambry Genetics
Classification: Uncertain significance for Hereditary cancer-predisposing syndrome. Last evaluated: 2024-02-16. Review status: criteria provided, single submitter. Criteria: Ambry Variant Classification Scheme 2023. Collection method: clinical testing. Allele origin: germline.
Comment: The p.L916V variant (also known as c.2746C>G), located in coding exon 13 of the BLM gene, results from a C to G substitution at nucleotide position 2746. The leucine at codon 916 is replaced by valine, an amino acid with highly similar properties. This amino acid position is conserved. In addition, the in silico prediction for this alteration is inconclusive. Since supporting evidence is limited at this time, the clinical significance of this alteration remains unclear.

Fulgent Genetics
Classification: Uncertain significance for Bloom syndrome. Last evaluated: 2024-01-18. Review status: criteria provided, single submitter. Criteria: ACMG Guidelines, 2015. Collection method: clinical testing. Allele origin: germline.

NM_000057.4(BLM):c.2746C>G (p.Leu916Val)

Gene: BLM (BLM RecQ like helicase; plus strand). Cytogenetic location: 15q26.1.
Variant type: single nucleotide variant.
Coding change: c.2746C>G on transcript NM_000057.4 (MANE Select); coding-DNA position 2746, C replaced by G.
Protein change: p.Leu916Val; replaces leucine 916 with valine.
Molecular consequence: missense variant.
Genome position (GRCh38, 1-based): chr15:90,785,004, C>G. VCF-style: chr15-90785004-C-G. GRCh37 (hg19) VCF-style: chr15-91328234-C-G.
Other names: c.2746C>G, p.Leu916Val (NM_001287246.2, NM_001287247.2); c.1621C>G, p.Leu541Val (NM_001287248.2); short protein forms L916V, L541V.
Identifiers: ClinVar variation 454117 (VCV000454117.14), dbSNP rs1424143421, ClinGen allele CA393846019.
Genomic context (GRCh38, chr15:90,785,004, plus strand): 5'-CTCTCCAGGCGAGAATGTGACACCATGGCTGACACGTTACAGAGAGATGGGCTCGCTGCT[C>G]TTGCTTACCATGCTGGCCTCAGTGATTCTGCCAGAGATGAAGTGCAGCAGAAGTGGATTA-3'
Protein context (NP_000048.1, residues 906-926): DTLQRDGLAA[Leu916Val]AYHAGLSDSA